The following is an entry in ClinVar:

ClinVar aggregate classification (germline): Uncertain significance (1 of 4 stars; one submission).

Conditions:
Cardiovascular phenotype. Identifiers: MedGen CN230736.

Submission:

Ambry Genetics
Classification: Uncertain significance for Cardiovascular phenotype. Last evaluated: 2025-06-10. Review status: criteria provided, single submitter. Criteria: Ambry Variant Classification Scheme 2023. Collection method: clinical testing. Allele origin: germline.
Comment: The p.M110V variant (also known as c.328A>G), located in coding exon 5 of the CALM3 gene, results from an A to G substitution at nucleotide position 328. The methionine at codon 110 is replaced by valine, an amino acid with highly similar properties. This amino acid position is conserved. In addition, the in silico prediction for this alteration is inconclusive. Based on the available evidence, the clinical significance of this variant remains unclear.

NM_005184.4(CALM3):c.328A>G (p.Met110Val)

Gene: CALM3 (calmodulin 3; plus strand). Cytogenetic location: 19q13.32.
Variant type: single nucleotide variant.
Coding change: c.328A>G on transcript NM_005184.4 (MANE Select); coding-DNA position 328, A replaced by G.
Protein change: p.Met110Val; replaces methionine 110 with valine.
Molecular consequence: missense variant.
Genome position (GRCh38, 1-based): chr19:46,608,888, A>G. VCF-style: chr19-46608888-A-G. GRCh37 (hg19) VCF-style: chr19-47112145-A-G.
Other names: c.220A>G, p.Met74Val (NM_001329921.1, NM_001329923.1, NM_001329924.2 and 2 more transcripts); c.328A>G, p.Met110Val (NM_001329922.1); short protein forms M110V, M74V.
Identifiers: ClinVar variation 3994838 (VCV003994838.1).